The following is an entry in ClinVar:

ClinVar aggregate classification (germline): Uncertain significance (1 of 4 stars; one submission).

Submission:

Ambry Genetics
Classification: Uncertain significance. Last evaluated: 2025-08-08. Review status: criteria provided, single submitter. Criteria: Ambry Variant Classification Scheme 2023. Collection method: clinical testing. Allele origin: germline.
Comment: The p.G46W variant (also known as c.136G>T), located in coding exon 2 of the GFI1 gene, results from a G to T substitution at nucleotide position 136. The glycine at codon 46 is replaced by tryptophan, an amino acid with highly dissimilar properties. This amino acid position is conserved. In addition, this alteration is predicted to be tolerated by in silico analysis. Based on the available evidence, the clinical significance of this variant remains unclear.

NM_005263.5(GFI1):c.136G>T (p.Gly46Trp)

Gene: GFI1 (growth factor independent 1 transcriptional repressor; minus strand). Cytogenetic location: 1p22.1.
Variant type: single nucleotide variant.
Coding change: c.136G>T on transcript NM_005263.5 (MANE Select); coding-DNA position 136, G replaced by T.
Protein change: p.Gly46Trp; replaces glycine 46 with tryptophan.
Molecular consequence: missense variant.
Genome position (GRCh38, 1-based): chr1:92,483,026, C>A on the plus strand (G>T on the coding strand, the complement: GFI1 is on the minus strand). VCF-style: chr1-92483026-C-A. GRCh37 (hg19) VCF-style: chr1-92948583-C-A.
Other names: c.136G>T, p.Gly46Trp (NM_001127215.3, NM_001127216.3); short protein forms G46W.
Identifiers: ClinVar variation 4263233 (VCV004263233.1).